The following is an entry in ClinVar:

ClinVar aggregate classification (germline): Uncertain significance. Review status: criteria provided, multiple submitters, no conflicts (2 of 4 stars). 3 submissions from 3 submitters: Uncertain significance (3). Last evaluated 2025-12-19.

Conditions:
Cardiovascular phenotype. Identifiers: MedGen CN230736.
Dilated Cardiomyopathy, Dominant.
Distal myopathy with posterior leg and anterior hand involvement. Also called: WILLIAMS DISTAL MYOPATHY. Identifiers: Orphanet 63273, MedGen C3279722, MONDO:0013550, OMIM 614065.
Hypertrophic cardiomyopathy 26. Also called: Cardiomyopathy, familial hypertrophic, 26. Identifiers: Orphanet 75249, MedGen C4310749, MONDO:0014883, OMIM 617047.
Myofibrillar myopathy 5. Also called: Filaminopathy (type); FILAMINOPATHY, AUTOSOMAL DOMINANT. Identifiers: Orphanet 171445, MedGen C1836050, MONDO:0012289, OMIM 609524.

Allele frequency attached by ClinVar (database versions not stated): gnomAD 0.00001; gnomAD exomes 0.00002; TOPMed 0.00003; ExAC 0.00004.
gnomAD v4.1: 26 of 1,613,990 alleles (0.0016%); highest among the groups gnomAD compares: Non-Finnish European, 0.0021%; no homozygotes.

Submissions (3):

Ambry Genetics
Classification: Uncertain significance for Cardiovascular phenotype. Last evaluated: 2025-12-19. Review status: criteria provided, single submitter. Criteria: Ambry Variant Classification Scheme 2023. Collection method: clinical testing. Allele origin: germline.
Comment: The p.K2365R variant (also known as c.7094A>G), located in coding exon 42 of the FLNC gene, results from an A to G substitution at nucleotide position 7094. The lysine at codon 2365 is replaced by arginine, an amino acid with highly similar properties. This amino acid position is highly conserved in available vertebrate species. In addition, the in silico prediction for this alteration is inconclusive. Based on the available evidence, the clinical significance of this variant remains unclear.

Revvity Omics, Revvity
Classification: Uncertain significance. Last evaluated: 2025-01-20. Review status: criteria provided, single submitter. Criteria: ACMG Guidelines, 2015. Collection method: clinical testing. Allele origin: germline.

Labcorp Genetics (formerly Invitae), Labcorp
Classification: Uncertain significance for Distal myopathy with posterior leg and anterior hand involvement; Myofibrillar myopathy 5; Hypertrophic cardiomyopathy 26. Last evaluated: 2024-12-20. Review status: criteria provided, single submitter. Criteria: Invitae Variant Classification Sherloc (09022015). Collection method: clinical testing. Allele origin: germline.
Comment: This sequence change replaces lysine, which is basic and polar, with arginine, which is basic and polar, at codon 2365 of the FLNC protein (p.Lys2365Arg). This variant is present in population databases (rs751765487, gnomAD 0.004%). This variant has not been reported in the literature in individuals affected with FLNC-related conditions. ClinVar contains an entry for this variant (Variation ID: 650056). An algorithm developed to predict the effect of missense changes on protein structure and function (PolyPhen-2) suggests that this variant is likely to be disruptive. In summary, the available evidence is currently insufficient to determine the role of this variant in disease. Therefore, it has been classified as a Variant of Uncertain Significance.

NM_001458.5(FLNC):c.7094A>G (p.Lys2365Arg)

Genes: FLNC (filamin C; plus strand), FLNC-AS1 (FLNC antisense RNA 1; minus strand). Cytogenetic location: 7q32.1.
Variant type: single nucleotide variant.
Coding change: c.7094A>G on transcript NM_001458.5 (MANE Select); coding-DNA position 7094, A replaced by G.
Protein change: p.Lys2365Arg; replaces lysine 2365 with arginine.
Molecular consequence: missense variant.
Genome position (GRCh38, 1-based): chr7:128,854,871, A>G. VCF-style: chr7-128854871-A-G. GRCh37 (hg19) VCF-style: chr7-128494925-A-G.
Other names: c.6995A>G, p.Lys2332Arg (NM_001127487.2); short protein forms K2332R, K2365R.
Identifiers: ClinVar variation 650056 (VCV000650056.12), dbSNP rs751765487, ClinGen allele CA4476155.